The following is an entry in ClinVar:

NM_004463.3(FGD1):c.1636+1G>A

Gene: FGD1 (FYVE, RhoGEF and PH domain containing 1; minus strand). Cytogenetic location: Xp11.22.
Variant type: single nucleotide variant.
Coding change: c.1636+1G>A on transcript NM_004463.3 (MANE Select); the canonical splice donor site of the intron after coding-DNA position 1636, G replaced by A.
Molecular consequence: splice donor variant.
Genome position (GRCh38, 1-based): chrX:54,465,450, C>T on the plus strand (G>A on the coding strand, the complement: FGD1 is on the minus strand). VCF-style: chrX-54465450-C-T. GRCh37 (hg19) VCF-style: chrX-54491883-C-T.
Identifiers: ClinVar variation 588329 (VCV000588329.5), dbSNP rs1569541211, ClinGen allele CA413243459.

ClinVar aggregate classification (germline): Pathogenic (1 of 4 stars; one submission).

Conditions:
Inborn genetic diseases. Identifiers: MedGen C0950123, MeSH D030342.

Submission:

Ambry Genetics
Classification: Pathogenic for Inborn genetic diseases. Last evaluated: 2017-02-28. Review status: criteria provided, single submitter. Criteria: Ambry Variant Classification Scheme 2023. Collection method: clinical testing. Allele origin: germline.
Comment: The c.1636+1G>A intronic pathogenic mutation results from a G to A substitution one nucleotide after coding exon 8 of the FGD1 gene. Alterations that disrupt the canonical splice site are expected to cause aberrant splicing, resulting in an abnormal protein or a transcript that is subject to nonsense-mediated mRNA decay. As such, this alteration is classified a disease-causing mutation.